The following is an entry in ClinVar:

ClinVar aggregate classification (germline): Likely pathogenic (1 of 4 stars; one submission).

gnomAD v4.1: 1 of 138,704 alleles (0.00072%); highest among the groups gnomAD compares: Non-Finnish European, 0.0012%; no homozygotes.

Submission:

Labcorp Genetics (formerly Invitae), Labcorp
Classification: Likely pathogenic. Last evaluated: 2024-11-16. Review status: criteria provided, single submitter. Criteria: Invitae Variant Classification Sherloc (09022015). Collection method: clinical testing. Allele origin: germline.
Comment: This sequence change affects a donor splice site in intron 1 of the COL18A1 gene. It is expected to disrupt RNA splicing. Variants that disrupt the donor or acceptor splice site typically lead to a loss of protein function (PMID: 16199547), and loss-of-function variants in COL18A1 are known to be pathogenic (PMID: 12415512, 25456301). This variant is not present in population databases (gnomAD no frequency). This variant has not been reported in the literature in individuals affected with COL18A1-related conditions. Algorithms developed to predict the effect of sequence changes on RNA splicing suggest that this variant may disrupt the consensus splice site. In summary, the currently available evidence indicates that the variant is pathogenic, but additional data are needed to prove that conclusively. Therefore, this variant has been classified as Likely Pathogenic.

Literature cited by the submitters: PubMed 16199547; PubMed 12415512; PubMed 25456301.

NM_001379500.1(COL18A1):c.11+1G>A

Genes: BNAT1 (breast cancer associated ESR1 regulating natural antisense transcript 1; minus strand), COL18A1 (collagen type XVIII alpha 1 chain; plus strand). Cytogenetic location: 21q22.3.
Variant type: single nucleotide variant.
Coding change: c.11+1G>A on transcript NM_001379500.1 (MANE Select); the canonical splice donor site of the intron after coding-DNA position 11, G replaced by A.
Molecular consequence: splice donor variant.
Genome position (GRCh38, 1-based): chr21:45,405,242, G>A. VCF-style: chr21-45405242-G-A. GRCh37 (hg19) VCF-style: chr21-46825157-G-A.
Identifiers: ClinVar variation 3725383 (VCV003725383.2).